The following is an entry in ClinVar:

NM_000558.5(HBA1):c.202del (p.Thr68fs)

Genes: HBA1 (hemoglobin subunit alpha 1; plus strand), LOC106804613 (hemoglobin subunit alpha 1 recombination region; plus strand). Cytogenetic location: 16p13.3.
Variant type: Deletion.
Coding change: c.202del on transcript NM_000558.5 (MANE Select); coding-DNA position 202, one base deleted (A; older notation c.202delA).
Protein change: p.Thr68fs; shifts the reading frame from threonine 68.
Molecular consequence: frameshift variant.
Genome position (GRCh38, 1-based): chr16:177,035, A deleted. VCF-style (leftmost placement, unchanged base first): chr16-177034-GA-G. GRCh37 (hg19) VCF-style: chr16-227033-GA-G.
Other names: short protein forms T68fs.
Identifiers: ClinVar variation 4814389 (VCV004814389.1).

ClinVar aggregate classification (germline): Likely pathogenic (1 of 4 stars; one submission).

Conditions:
alpha Thalassemia. Also called: Alpha thalassemia spectrum. Identifiers: Orphanet 846, MedGen C0002312, MONDO:0011399, OMIM 604131.

Submission:

Natera, Inc.
Classification: Likely pathogenic for Alpha thalassemia. Last evaluated: 2025-07-14. Review status: criteria provided, single submitter. Criteria: Natera Variant Classification Schema (03/2026). Collection method: clinical testing. Allele origin: germline.
Comment: The c.202del variant in HBA1 is a frameshift variant predicted to shift the reading frame beginning at codon 68 and leads to a stop codon 17 codons downstream. This variant is expected to result in nonsense mediated decay, truncation, or a dysfunctional protein product. This variant is rare in the general population with a frequency below the threshold expected for the associated phenotype(s). Given the available evidence, this variant is classified as Likely Pathogenic.